The following is an entry in ClinVar:

ClinVar aggregate classification (germline): Conflicting classifications of pathogenicity. Review status: criteria provided, conflicting classifications (1 of 4 stars). 2 submissions from 2 submitters: Uncertain significance (1); Likely benign (1). Last evaluated 2022-11-01.

Conditions:
Landau-Kleffner syndrome (FESD). Also called: EPILEPSY, FOCAL, WITH SPEECH DISORDER AND WITH OR WITHOUT MENTAL RETARDATION; APHASIA, ACQUIRED, WITH EPILEPSY. Identifiers: Orphanet 1945, Orphanet 725, Orphanet 98818, MedGen C0282512, MONDO:0009509, OMIM 245570.

Allele frequency attached by ClinVar (database versions not stated): TOPMed 0.00004; gnomAD exomes 0.00011; 1000 Genomes Project 30x 0.00016.
gnomAD v4.1: 35 of 231,132 alleles (0.015%); highest among the groups gnomAD compares: South Asian, 0.11%; no homozygotes.

Submissions (2):

CeGaT Center for Human Genetics Tuebingen
Classification: Likely benign. Last evaluated: 2022-11-01. Review status: criteria provided, single submitter. Criteria: CeGaT Center For Human Genetics Tuebingen Variant Classification Criteria Version 2. Collection method: clinical testing. Allele origin: germline. Affected: yes. Observed: 1 variant allele.
Comment: GRIN2A: BS1

Illumina Laboratory Services, Illumina
Classification: Uncertain significance for Landau-Kleffner syndrome. Last evaluated: 2018-01-13. Review status: criteria provided, single submitter. Criteria: ICSL Variant Classification Criteria 13 December 2019. Collection method: clinical testing. Allele origin: germline.

NM_001134407.3(GRIN2A):c.*3166C>T

Gene: GRIN2A (glutamate ionotropic receptor NMDA type subunit 2A; minus strand). Cytogenetic location: 16p13.2.
Variant type: single nucleotide variant.
Coding change: c.*3166C>T on transcript NM_001134407.3 (MANE Select); 3166 bases downstream of the stop codon, C replaced by T.
Molecular consequence: 3 prime UTR variant.
Genome position (GRCh38, 1-based): chr16:9,759,983, G>A on the plus strand (C>T on the coding strand, the complement: GRIN2A is on the minus strand). VCF-style: chr16-9759983-G-A. GRCh37 (hg19) VCF-style: chr16-9853840-G-A.
Other names: c.*3166C>T (NM_000833.5); c.*3372C>T (NM_001134408.2).
Identifiers: ClinVar variation 321555 (VCV000321555.29), dbSNP rs886052537, ClinGen allele CA10649431.